The following is an entry in ClinVar:

NM_005751.5(AKAP9):c.9263G>A (p.Arg3088Lys)

Gene: AKAP9 (A-kinase anchoring protein 9; plus strand). Cytogenetic location: 7q21.2.
Variant type: single nucleotide variant.
Coding change: c.9263G>A on transcript NM_005751.5 (MANE Select); coding-DNA position 9263, G replaced by A.
Protein change: p.Arg3088Lys; replaces arginine 3088 with lysine.
Molecular consequence: missense variant.
Genome position (GRCh38, 1-based): chr7:92,089,434, G>A. VCF-style: chr7-92089434-G-A. GRCh37 (hg19) VCF-style: chr7-91718748-G-A.
Other names: c.3908G>A, p.Arg1303Lys (NM_001379277.1); c.9239G>A, p.Arg3080Lys (NM_147185.3); short protein forms R1303K, R3088K, R3080K.
Identifiers: ClinVar variation 4265234 (VCV004265234.1).

ClinVar aggregate classification (germline): Uncertain significance (1 of 4 stars; one submission).

Conditions:
Cardiovascular phenotype. Identifiers: MedGen CN230736.

Submission:

Ambry Genetics
Classification: Uncertain significance for Cardiovascular phenotype. Last evaluated: 2025-08-09. Review status: criteria provided, single submitter. Criteria: Ambry Variant Classification Scheme 2023. Collection method: clinical testing. Allele origin: germline.
Comment: The p.R3088K variant (also known as c.9263G>A), located in coding exon 38 of the AKAP9 gene, results from a G to A substitution at nucleotide position 9263. The arginine at codon 3088 is replaced by lysine, an amino acid with highly similar properties. This amino acid position is conserved. In addition, this alteration is predicted to be tolerated by in silico analysis. Based on the available evidence, the clinical significance of this variant remains unclear.